The following is an entry in ClinVar:

NM_014484.5(MOCS3):c.8C>T (p.Ser3Phe)

Gene: MOCS3 (molybdenum cofactor synthesis 3; plus strand). Cytogenetic location: 20q13.13.
Variant type: single nucleotide variant.
Coding change: c.8C>T on transcript NM_014484.5 (MANE Select); coding-DNA position 8, C replaced by T.
Protein change: p.Ser3Phe; replaces serine 3 with phenylalanine.
Molecular consequence: missense variant.
Genome position (GRCh38, 1-based): chr20:50,958,850, C>T. VCF-style: chr20-50958850-C-T. GRCh37 (hg19) VCF-style: chr20-49575387-C-T.
Other names: c.8C>T (NM_014484.3); short protein forms S3F.
Identifiers: ClinVar variation 2880694 (VCV002880694.4), dbSNP rs187280062, ClinGen allele CA9909323.

ClinVar aggregate classification (germline): Uncertain significance. Review status: criteria provided, multiple submitters, no conflicts (2 of 4 stars). 2 submissions from 2 submitters: Uncertain significance (2). Last evaluated 2025-10-29.

Allele frequency attached by ClinVar (database versions not stated): 1000 Genomes Project 30x 0.00031.
gnomAD v4.1: 5 of 1,587,660 alleles (0.00031%); highest among the groups gnomAD compares: East Asian, 0.011%; no homozygotes.

Submissions (2):

Ambry Genetics
Classification: Uncertain significance. Last evaluated: 2025-10-29. Review status: criteria provided, single submitter. Criteria: Ambry Variant Classification Scheme 2023. Collection method: clinical testing. Allele origin: germline.

Labcorp Genetics (formerly Invitae), Labcorp
Classification: Uncertain significance. Last evaluated: 2024-01-28. Review status: criteria provided, single submitter. Criteria: Invitae Variant Classification Sherloc (09022015). Collection method: clinical testing. Allele origin: germline.
Comment: This sequence change replaces serine, which is neutral and polar, with phenylalanine, which is neutral and non-polar, at codon 3 of the MOCS3 protein (p.Ser3Phe). This variant is present in population databases (rs187280062, gnomAD 0.02%). This variant has not been reported in the literature in individuals affected with MOCS3-related conditions. Experimental studies and prediction algorithms are not available or were not evaluated, and the functional significance of this variant is currently unknown. In summary, the available evidence is currently insufficient to determine the role of this variant in disease. Therefore, it has been classified as a Variant of Uncertain Significance.